The following is an entry in ClinVar:

NM_003242.6(TGFBR2):c.609C>T (p.Thr203=)

Gene: TGFBR2 (transforming growth factor beta receptor 2; plus strand). Cytogenetic location: 3p24.1.
Variant type: single nucleotide variant.
Coding change: c.609C>T on transcript NM_003242.6 (MANE Select); coding-DNA position 609, C replaced by T.
Protein change: p.Thr203=; no amino-acid change (threonine 203 retained).
Molecular consequence: synonymous variant. On other transcripts: intron variant (1).
Genome position (GRCh38, 1-based): chr3:30,671,792, C>T. VCF-style: chr3-30671792-C-T. GRCh37 (hg19) VCF-style: chr3-30713284-C-T.
Other names: c.684C>T, p.Thr228= (NM_001024847.3); c.792C>T, p.Thr264= (NM_001407126.1); c.717C>T, p.Thr239= (NM_001407127.1); c.636C>T, p.Thr212= (NM_001407128.1); c.612C>T, p.Thr204= (NM_001407129.1); c.609C>T, p.Thr203= (NM_001407130.1); c.504C>T, p.Thr168= (NM_001407132.1, NM_001407133.1, NM_001407134.1 and 2 more transcripts); c.324C>T, p.Thr108= (NM_001407137.1); and 2 more.
Identifiers: ClinVar variation 239532 (VCV000239532.17), dbSNP rs769938385, ClinGen allele CA049362.

ClinVar aggregate classification (germline): Likely benign. Review status: criteria provided, multiple submitters, no conflicts (2 of 4 stars). 5 submissions from 5 submitters: Likely benign (5). Last evaluated 2025-12-01.

Conditions:
Loeys-Dietz syndrome 2 (LDS2). Also called: TGFBR2-Related Loeys-Dietz Syndrome; AORTIC ANEURYSM, FAMILIAL THORACIC 3; MARFAN SYNDROME, TYPE II; Marfan Syndrome type 2; Marfan like connective tissue disorder; MFS 2. Identifiers: Orphanet 284973, Orphanet 558, MedGen C2674574, MONDO:0012427, OMIM 610168.
Familial thoracic aortic aneurysm and aortic dissection (TAAD). Also called: Thoracic aortic aneurysms and dissections. Identifiers: Orphanet 91387, MedGen C4707243, MONDO:0019625.

Allele frequency attached by ClinVar (database versions not stated): gnomAD 0.00003 and 0.00004; TOPMed 0.00003; gnomAD exomes 0.00006; ExAC 0.00010.
gnomAD v4.1: 65 of 1,614,064 alleles (0.004%); highest among the groups gnomAD compares: Non-Finnish European, 0.0048%; no homozygotes.

Submissions (5):

Labcorp Genetics (formerly Invitae), Labcorp
Classification: Likely benign for Familial thoracic aortic aneurysm and aortic dissection. Last evaluated: 2025-12-01. Review status: criteria provided, single submitter. Criteria: Invitae Variant Classification Sherloc (09022015). Collection method: clinical testing. Allele origin: germline.

Blueprint Genetics
Classification: Likely benign. Last evaluated: 2024-11-23. Review status: criteria provided, single submitter. Criteria: ACMG Guidelines, 2015. Collection method: clinical testing. Allele origin: germline.

All of Us Research Program, National Institutes of Health
Classification: Likely benign for Loeys-Dietz syndrome 2. Last evaluated: 2023-12-13. Review status: criteria provided, single submitter. Criteria: ACMG Guidelines, 2015. Collection method: clinical testing. Allele origin: germline. Inheritance: Autosomal dominant inheritance. Observed: 9 variant alleles, 9 heterozygotes.
Comment: This study involves interpretation of variants in research participants for the purpose of population health screening. Participant phenotype was not available at the time of variant classification. Additional details can be found in publication PMID: 35346344, PMCID: PMC8962531

Color Diagnostics, LLC DBA Color Health
Classification: Likely benign for Familial thoracic aortic aneurysm and aortic dissection. Last evaluated: 2019-04-28. Review status: criteria provided, single submitter. Criteria: ACMG Guidelines, 2015. Collection method: clinical testing. Allele origin: germline.

Ambry Genetics
Classification: Likely benign for Familial thoracic aortic aneurysm and aortic dissection. Last evaluated: 2017-12-14. Review status: criteria provided, single submitter. Criteria: Ambry Variant Classification Scheme 2023. Collection method: clinical testing. Allele origin: germline.